The following is an entry in ClinVar:

NM_030958.3(SLCO5A1):c.2051T>C (p.Phe684Ser)

Gene: SLCO5A1 (solute carrier organic anion transporter family member 5A1; minus strand). Cytogenetic location: 8q13.3.
Variant type: single nucleotide variant.
Coding change: c.2051T>C on transcript NM_030958.3 (MANE Select); coding-DNA position 2051, T replaced by C.
Protein change: p.Phe684Ser; replaces phenylalanine 684 with serine.
Molecular consequence: missense variant. On other transcripts: intron variant (1).
Genome position (GRCh38, 1-based): chr8:69,676,647, A>G on the plus strand (T>C on the coding strand, the complement: SLCO5A1 is on the minus strand). VCF-style: chr8-69676647-A-G. GRCh37 (hg19) VCF-style: chr8-70588882-A-G.
Other names: c.1886T>C, p.Phe629Ser (NM_001146009.1); c.2024+2731T>C (NM_001146008.2); short protein forms F629S, F684S.
Identifiers: ClinVar variation 4806104 (VCV004806104.1).

ClinVar aggregate classification (germline): Uncertain significance (1 of 4 stars; one submission).

Submission:

Labcorp Genetics (formerly Invitae), Labcorp
Classification: Uncertain significance. Last evaluated: 2025-03-05. Review status: criteria provided, single submitter. Criteria: Invitae Variant Classification Sherloc (09022015). Collection method: clinical testing. Allele origin: germline.
Comment: This sequence change replaces phenylalanine, which is neutral and non-polar, with serine, which is neutral and polar, at codon 684 of the SLCO5A1 protein (p.Phe684Ser). This variant is not present in population databases (gnomAD no frequency). This variant has not been reported in the literature in individuals affected with SLCO5A1-related conditions. An algorithm developed to predict the effect of missense changes on protein structure and function (PolyPhen-2) suggests that this variant is likely to be disruptive. In summary, the available evidence is currently insufficient to determine the role of this variant in disease. Therefore, it has been classified as a Variant of Uncertain Significance.